The following is an entry in ClinVar:

NM_020975.6(RET):c.2538C>T (p.Leu846=)

Gene: RET (ret proto-oncogene; plus strand). Cytogenetic location: 10q11.21.
Variant type: single nucleotide variant.
Coding change: c.2538C>T on transcript NM_020975.6 (MANE Select); coding-DNA position 2538, C replaced by T.
Protein change: p.Leu846=; no amino-acid change (leucine 846 retained).
Molecular consequence: synonymous variant.
Genome position (GRCh38, 1-based): chr10:43,119,676, C>T. VCF-style: chr10-43119676-C-T. GRCh37 (hg19) VCF-style: chr10-43615124-C-T.
Other names: c.2538C>T, p.Leu846= (NM_000323.2, NM_001406743.1, NM_001406744.1 and 4 more transcripts); c.1776C>T, p.Leu592= (NM_001355216.2); c.2409C>T, p.Leu803= (NM_001406761.1, NM_001406762.1, NM_001406764.1); c.2403C>T, p.Leu801= (NM_001406763.1, NM_001406765.1); c.2250C>T, p.Leu750= (NM_001406766.1, NM_001406767.1, NM_001406770.1); c.2274C>T, p.Leu758= (NM_001406768.1); c.2142C>T, p.Leu714= (NM_001406769.1, NM_001406772.1); c.2100C>T, p.Leu700= (NM_001406771.1, NM_001406773.1); and 10 more.
Identifiers: ClinVar variation 241348 (VCV000241348.26), dbSNP rs201816539, ClinGen allele CA039670.

ClinVar aggregate classification (germline): Conflicting classifications of pathogenicity. Review status: criteria provided, conflicting classifications (1 of 4 stars). 12 submissions from 9 submitters: Uncertain significance (2); Benign (5); Likely benign (4). 1 of the submissions does not count toward it. Last evaluated 2026-02-02.

Conditions:
Multiple endocrine neoplasia. Identifiers: Orphanet 276161, MedGen C0027662, MONDO:0017169.
Hereditary cancer-predisposing syndrome. Also called: Tumor predisposition; Hereditary neoplastic syndrome; Neoplastic Syndromes, Hereditary; Hereditary Cancer Syndrome. Identifiers: Orphanet 140162, MedGen C0027672, MeSH D009386, MONDO:0015356.
Multiple endocrine neoplasia, type 2 (MEN2). Identifiers: Orphanet 653, MedGen C4048306, MONDO:0019003. Disease mechanism: gain of function.
Hirschsprung disease, susceptibility to, 1 (HSCR1). Also called: RET-Related Hirschsprung Disease. Identifiers: Orphanet 388, MedGen C3888239, MONDO:0007723, OMIM 142623.
Multiple endocrine neoplasia type 2A. Also called: MULTIPLE ENDOCRINE NEOPLASIA, TYPE IIA; PTC SYNDROME; SIPPLE SYNDROME; MEN 2A; MEN-2A syndrome; Pheochromocytoma and amyloid producing medullary thyroid carcinoma. Identifiers: Orphanet 247698, Orphanet 653, MedGen C0025268, MeSH D018813, MONDO:0008234, OMIM 171400.
Pheochromocytoma. Also called: MAX-Related Hereditary Paraganglioma-Pheochromocytoma Syndrome. Identifiers: Orphanet 29072, MedGen C0031511, MONDO:0008233, OMIM 171300, HP:0002666.
Renal hypodysplasia/aplasia 1 (RHDA1). Also called: HEREDITARY RENAL APLASIA; RENAL APLASIA. Identifiers: Orphanet 411709, MedGen C1619700, MONDO:0024519, OMIM 191830.

Allele frequency attached by ClinVar (database versions not stated): gnomAD 0.00001 and 0.00003; gnomAD exomes 0.00006 and 0.00016; TOPMed 0.00006; ExAC 0.00013; 1000 Genomes Project 30x 0.00016; 1000 Genomes Project 0.00020.
gnomAD v4.1: 91 of 1,613,510 alleles (0.0056%); highest among the groups gnomAD compares: South Asian, 0.052%; no homozygotes.

Submissions (12):

Labcorp Genetics (formerly Invitae), Labcorp
Classification: Likely benign for Multiple endocrine neoplasia, type 2. Last evaluated: 2026-02-02. Review status: criteria provided, single submitter. Criteria: Invitae Variant Classification Sherloc (09022015). Collection method: clinical testing. Allele origin: germline.

Myriad Genetics, Inc.
Classification: Benign for Multiple endocrine neoplasia type 2A. Last evaluated: 2025-02-27. Review status: criteria provided, single submitter. Criteria: Myriad Autosomal Dominant, Autosomal Recessive and X-Linked Classification Criteria (2023). Collection method: clinical testing. Allele origin: unknown.
Comment: This variant is considered benign. This variant is a silent/synonymous amino acid change and it is not expected to impact splicing.

Blueprint Genetics
Classification: Likely benign. Last evaluated: 2024-08-21. Review status: criteria provided, single submitter. Criteria: ACMG Guidelines, 2015. Collection method: clinical testing. Allele origin: germline.

Quest Diagnostics Nichols Institute San Juan Capistrano
Classification: Benign. Last evaluated: 2023-04-13. Review status: criteria provided, single submitter. Criteria: Quest Diagnostics criteria. Collection method: clinical testing. Allele origin: unknown.
Comment: The frequency of this variant in the general population is higher than would generally be expected for pathogenic variants in this gene. Computational tools yielded predictions that this variant is unlikely to have an effect on normal RNA splicing. This nucleotide position exhibits low evolutionary conservation.

Women's Health and Genetics/Laboratory Corporation of America, LabCorp
Classification: Benign. Last evaluated: 2022-11-25. Review status: criteria provided, single submitter. Criteria: LabCorp Variant Classification Summary - May 2015. Collection method: clinical testing. Allele origin: germline.

Color Diagnostics, LLC DBA Color Health
Classification: Benign for Multiple endocrine neoplasia, type 2. Last evaluated: 2022-09-29. Review status: criteria provided, single submitter. Criteria: ACMG Guidelines, 2015. Collection method: clinical testing. Allele origin: germline.

Illumina Laboratory Services, Illumina
Classification: Uncertain significance for Hirschsprung disease, susceptibility to, 1. Last evaluated: 2018-01-13. Review status: criteria provided, single submitter. Criteria: ICSL Variant Classification Criteria 13 December 2019. Collection method: clinical testing. Allele origin: germline.

Illumina Laboratory Services, Illumina
Classification: Likely benign for Multiple endocrine neoplasia. Last evaluated: 2018-01-13. Review status: criteria provided, single submitter. Criteria: ICSL Variant Classification Criteria 13 December 2019. Collection method: clinical testing. Allele origin: germline.
Comment: This variant was observed in the ICSL laboratory as part of a predisposition screen in an ostensibly healthy population. It had not been previously curated by ICSL or reported in the Human Gene Mutation Database (HGMD: prior to June 1st, 2018), and was therefore a candidate for classification through an automated scoring system. Utilizing variant allele frequency, disease prevalence and penetrance estimates, and inheritance mode, an automated score was calculated to assess if this variant is too frequent to cause the disease. Based on the score and internal cut-off values, a variant classified as likely benign is not then subjected to further curation. The score for this variant resulted in a classification of likely benign for this disease.

Illumina Laboratory Services, Illumina
Classification: Uncertain significance for Renal hypodysplasia/aplasia 1. Last evaluated: 2018-01-13. Review status: criteria provided, single submitter. Criteria: ICSL Variant Classification Criteria 13 December 2019. Collection method: clinical testing. Allele origin: germline.

Illumina Laboratory Services, Illumina
Classification: Benign for Pheochromocytoma. Last evaluated: 2018-01-13. Review status: criteria provided, single submitter. Criteria: ICSL Variant Classification Criteria 13 December 2019. Collection method: clinical testing. Allele origin: germline.
Comment: This variant was observed in the ICSL laboratory as part of a predisposition screen in an ostensibly healthy population. It had not been previously curated by ICSL or reported in the Human Gene Mutation Database (HGMD: prior to June 1st, 2018), and was therefore a candidate for classification through an automated scoring system. Utilizing variant allele frequency, disease prevalence and penetrance estimates, and inheritance mode, an automated score was calculated to assess if this variant is too frequent to cause the disease. Based on the score and internal cut-off values, a variant classified as benign is not then subjected to further curation. The score for this variant resulted in a classification of benign for this disease.

Ambry Genetics
Classification: Likely benign for Hereditary cancer-predisposing syndrome. Last evaluated: 2017-05-26. Review status: criteria provided, single submitter. Criteria: Ambry Variant Classification Scheme 2023. Collection method: clinical testing. Allele origin: germline.

Genetic Services Laboratory, University of Chicago
Classification: Likely benign. Last evaluated: 2022-09-15. Review status: no assertion criteria provided. Collection method: clinical testing. Allele origin: germline. Affected: no. Not counted in ClinVar's aggregate classification.